The following is an entry in ClinVar:

ClinVar aggregate classification (germline): Likely pathogenic (1 of 4 stars; one submission).

Conditions:
Tumor predisposition syndrome 3 (TPDS3). Also called: Melanoma, cutaneous malignant, susceptibility to, 10; Glioma susceptibility 9; LONG TELOMERE SYNDROME, POT1-RELATED; POT1 Tumor Predisposition. Identifiers: Orphanet 618, MedGen C4014476, MONDO:0014368, OMIM 615848.

Allele frequency attached by ClinVar (database versions not stated): gnomAD exomes below 0.00001.
gnomAD v4.1: 1 of 1,565,536 alleles (0.000064%); highest among the groups gnomAD compares: South Asian, 0.0012%; no homozygotes.

Submission:

Labcorp Genetics (formerly Invitae), Labcorp
Classification: Likely pathogenic for Tumor predisposition syndrome 3. Last evaluated: 2024-03-29. Review status: criteria provided, single submitter. Criteria: Invitae Variant Classification Sherloc (09022015). Collection method: clinical testing. Allele origin: germline.
Comment: This sequence change affects an acceptor splice site in intron 6 of the POT1 gene. It is expected to disrupt RNA splicing. Variants that disrupt the donor or acceptor splice site typically lead to a loss of protein function (PMID: 16199547), and loss-of-function variants in POT1 are known to be pathogenic (PMID: 32155570). This variant is not present in population databases (gnomAD no frequency). This variant has not been reported in the literature in individuals affected with POT1-related conditions. ClinVar contains an entry for this variant (Variation ID: 1044316). Algorithms developed to predict the effect of sequence changes on RNA splicing suggest that this variant may disrupt the consensus splice site. In summary, the currently available evidence indicates that the variant is pathogenic, but additional data are needed to prove that conclusively. Therefore, this variant has been classified as Likely Pathogenic.

Literature cited by the submitters: PubMed 16199547; PubMed 32155570.

NM_015450.3(POT1):c.125-1G>T

Gene: POT1 (protection of telomeres 1; minus strand). Cytogenetic location: 7q31.33.
Variant type: single nucleotide variant.
Coding change: c.125-1G>T on transcript NM_015450.3 (MANE Select); the canonical splice acceptor site of the intron before coding-DNA position 125, G replaced by T.
Molecular consequence: splice acceptor variant. On other transcripts: intron variant (1).
Genome position (GRCh38, 1-based): chr7:124,871,042, C>A on the plus strand (G>T on the coding strand, the complement: POT1 is on the minus strand). VCF-style: chr7-124871042-C-A. GRCh37 (hg19) VCF-style: chr7-124511096-C-A.
Other names: c.-138-7402G>T (NM_001042594.2).
Identifiers: ClinVar variation 1044316 (VCV001044316.7), dbSNP rs1795856406, ClinGen allele CA369061746.